The following is an entry in ClinVar:

NM_004517.4(ILK):c.1052A>G (p.Tyr351Cys)

Genes: ILK (integrin linked kinase; plus strand), TAF10 (TATA-box binding protein associated factor 10; minus strand). Cytogenetic location: 11p15.4.
Variant type: single nucleotide variant.
Coding change: c.1052A>G on transcript NM_004517.4 (MANE Select); coding-DNA position 1052, A replaced by G.
Protein change: p.Tyr351Cys; replaces tyrosine 351 with cysteine.
Molecular consequence: missense variant. On other transcripts: 3 prime UTR variant (1).
Genome position (GRCh38, 1-based): chr11:6,610,009, A>G. VCF-style: chr11-6610009-A-G. GRCh37 (hg19) VCF-style: chr11-6631240-A-G.
Other names: c.1052A>G, p.Tyr351Cys (NM_001014794.3, NM_001014795.3); c.869A>G, p.Tyr290Cys (NM_001278441.2); c.650A>G, p.Tyr217Cys (NM_001278442.2); c.*913T>C (NM_006284.4); short protein forms Y217C, Y290C, Y351C.
Identifiers: ClinVar variation 1515351 (VCV001515351.8), dbSNP rs989434950, ClinGen allele CA217315817.

ClinVar aggregate classification (germline): Uncertain significance (1 of 4 stars; one submission).

Conditions:
Primary familial hypertrophic cardiomyopathy (HCM). Identifiers: Orphanet 99739, MedGen C0949658, MeSH D024741, MONDO:0024573. Inheritance: Various modes of inheritance.

Allele frequency attached by ClinVar (database versions not stated): gnomAD exomes below 0.00001.
gnomAD v4.1: 1 of 1,614,190 alleles (0.000062%); highest among the groups gnomAD compares: Non-Finnish European, 0.000085%; no homozygotes.

Submission:

Labcorp Genetics (formerly Invitae), Labcorp
Classification: Uncertain significance for Primary familial hypertrophic cardiomyopathy. Last evaluated: 2021-02-16. Review status: criteria provided, single submitter. Criteria: Invitae Variant Classification Sherloc (09022015). Collection method: clinical testing. Allele origin: germline.
Comment: This variant is not present in population databases (ExAC no frequency). In summary, the available evidence is currently insufficient to determine the role of this variant in disease. Therefore, it has been classified as a Variant of Uncertain Significance. Algorithms developed to predict the effect of missense changes on protein structure and function (SIFT, PolyPhen-2, Align-GVGD) all suggest that this variant is likely to be disruptive, but these predictions have not been confirmed by published functional studies and their clinical significance is uncertain. This variant has not been reported in the literature in individuals with ILK-related conditions. This sequence change replaces tyrosine with cysteine at codon 351 of the ILK protein (p.Tyr351Cys). The tyrosine residue is highly conserved and there is a large physicochemical difference between tyrosine and cysteine.